The following is an entry in ClinVar:

NM_014687.4(RUBCN):c.1366C>T (p.Arg456Trp)

Gene: RUBCN (rubicon autophagy regulator; minus strand). Cytogenetic location: 3q29.
Variant type: single nucleotide variant.
Coding change: c.1366C>T on transcript NM_014687.4 (MANE Select); coding-DNA position 1366, C replaced by T.
Protein change: p.Arg456Trp; replaces arginine 456 with tryptophan.
Molecular consequence: missense variant.
Genome position (GRCh38, 1-based): chr3:197,695,973, G>A on the plus strand (C>T on the coding strand, the complement: RUBCN is on the minus strand). VCF-style: chr3-197695973-G-A. GRCh37 (hg19) VCF-style: chr3-197422844-G-A.
Other names: c.1231C>T, p.Arg411Trp (NM_001145642.5); c.1408C>T, p.Arg470Trp (NM_001346873.2); short protein forms R411W, R456W, R470W.
Identifiers: ClinVar variation 3257639 (VCV003257639.17).

ClinVar aggregate classification (germline): Uncertain significance (1 of 4 stars; one submission).

gnomAD v4.1: 82 of 1,614,064 alleles (0.0051%); highest among the groups gnomAD compares: Middle Eastern, 0.099%; no homozygotes.

Submission:

CeGaT Center for Human Genetics Tuebingen
Classification: Uncertain significance. Last evaluated: 2024-07-01. Review status: criteria provided, single submitter. Criteria: CeGaT Center For Human Genetics Tuebingen Variant Classification Criteria Version 2. Collection method: clinical testing. Allele origin: germline. Affected: yes. Observed: 1 variant allele.
Comment: RUBCN: PM2, BP4